The following is an entry in ClinVar:

ClinVar aggregate classification (germline): Uncertain significance (1 of 4 stars; one submission).

Allele frequency attached by ClinVar (database versions not stated): ExAC 0.00001; gnomAD exomes 0.00001; gnomAD 0.00002; TOPMed 0.00002.

Submission:

Labcorp Genetics (formerly Invitae), Labcorp
Classification: Uncertain significance. Last evaluated: 2023-12-17. Review status: criteria provided, single submitter. Criteria: Invitae Variant Classification Sherloc (09022015). Collection method: clinical testing. Allele origin: germline.
Comment: This sequence change replaces arginine, which is basic and polar, with histidine, which is basic and polar, at codon 545 of the LRRC8A protein (p.Arg545His). This variant is present in population databases (rs769167142, gnomAD 0.008%). This variant has not been reported in the literature in individuals affected with LRRC8A-related conditions. An algorithm developed to predict the effect of missense changes on protein structure and function (PolyPhen-2) suggests that this variant is likely to be disruptive. Experimental studies have shown that this missense change affects LRRC8A function (PMID: 30135305). In summary, the available evidence is currently insufficient to determine the role of this variant in disease. Therefore, it has been classified as a Variant of Uncertain Significance.

Literature cited by the submitters: PubMed 30135305.

NM_019594.4(LRRC8A):c.1634G>A (p.Arg545His)

Gene: LRRC8A (leucine rich repeat containing 8 VRAC subunit A; plus strand). Cytogenetic location: 9q34.11.
Variant type: single nucleotide variant.
Coding change: c.1634G>A on transcript NM_019594.4 (MANE Select); coding-DNA position 1634, G replaced by A.
Protein change: p.Arg545His; replaces arginine 545 with histidine.
Molecular consequence: missense variant.
Genome position (GRCh38, 1-based): chr9:128,908,798, G>A. VCF-style: chr9-128908798-G-A. GRCh37 (hg19) VCF-style: chr9-131671077-G-A.
Other names: c.1634G>A, p.Arg545His (NM_001127244.2, NM_001127245.2); short protein forms R545H.
Identifiers: ClinVar variation 2991761 (VCV002991761.2), dbSNP rs769167142, ClinGen allele CA5270927.